The following is an entry in ClinVar:

NM_001366145.2(TRPM3):c.2472A>G (p.Ala824=)

Gene: TRPM3 (transient receptor potential cation channel subfamily M member 3; minus strand). Cytogenetic location: 9q21.12.
Variant type: single nucleotide variant.
Coding change: c.2472A>G on transcript NM_001366145.2 (MANE Select); coding-DNA position 2472, A replaced by G.
Protein change: p.Ala824=; no amino-acid change (alanine 824 retained).
Molecular consequence: synonymous variant.
Genome position (GRCh38, 1-based): chr9:70,615,962, T>C on the plus strand (A>G on the coding strand, the complement: TRPM3 is on the minus strand). VCF-style: chr9-70615962-T-C. GRCh37 (hg19) VCF-style: chr9-73230878-T-C.
Other names: c.2436A>G, p.Ala812= (NM_001007471.4, NM_001366151.2); c.2442A>G, p.Ala814= (NM_001366141.2, NM_001366143.2, NM_001366149.2); c.2478A>G, p.Ala826= (NM_001366142.2); c.2472A>G, p.Ala824= (NM_001366146.2); c.2547A>G, p.Ala849= (NM_001366147.2, NM_001366152.2); c.2517A>G, p.Ala839= (NM_001366148.2); c.2406A>G, p.Ala802= (NM_001366150.2); c.2013A>G, p.Ala671= (NM_001366154.2, NM_024971.7); and 5 more.
Identifiers: ClinVar variation 3045942 (VCV003045942.10), dbSNP rs144207909, ClinGen allele CA5078289.

ClinVar aggregate classification (germline): Likely benign. Review status: criteria provided, multiple submitters, no conflicts (2 of 4 stars). 3 submissions from 3 submitters: Likely benign (2). 1 of the submissions does not count toward it. Last evaluated 2026-08-01.

Conditions:
TRPM3-related disorder. Also called: TRPM3-related condition.

Allele frequency attached by ClinVar (database versions not stated): 1000 Genomes Project 0.00040; 1000 Genomes Project 30x 0.00078; TOPMed 0.00118; gnomAD 0.00135; gnomAD exomes 0.00174; ExAC 0.00180; ESP Exome Variant Server 0.00208.
gnomAD v4.1: 2,764 of 1,613,334 alleles (0.17%); highest among the groups gnomAD compares: South Asian, 0.22%; 7 homozygotes.

Submissions (3):

CeGaT Center for Human Genetics Tuebingen
Classification: Likely benign. Last evaluated: 2026-08-01. Review status: criteria provided, single submitter. Criteria: CeGaT Center For Human Genetics Tuebingen Variant Classification Criteria Version 2. Collection method: clinical testing. Allele origin: germline. Affected: yes. Observed: 5 variant alleles.
Comment: TRPM3: BP4, BP7

Blueprint Genetics
Classification: Likely benign. Last evaluated: 2024-11-20. Review status: criteria provided, single submitter. Criteria: ACMG Guidelines, 2015. Collection method: clinical testing. Allele origin: germline.

PreventionGenetics, part of Exact Sciences
Classification: Likely benign for TRPM3-related condition. Last evaluated: 2019-10-30. Review status: no assertion criteria provided. Collection method: clinical testing. Allele origin: germline. Not counted in ClinVar's aggregate classification.
Comment: This variant is classified as likely benign based on ACMG/AMP sequence variant interpretation guidelines (Richards et al. 2015 PMID: 25741868, with internal and published modifications).